The following is an entry in ClinVar:

NM_025099.6(CTC1):c.745C>G (p.Leu249Val)

Gene: CTC1 (CST telomere replication complex component 1; minus strand). Cytogenetic location: 17p13.1.
Variant type: single nucleotide variant.
Coding change: c.745C>G on transcript NM_025099.6 (MANE Select); coding-DNA position 745, C replaced by G.
Protein change: p.Leu249Val; replaces leucine 249 with valine.
Molecular consequence: missense variant.
Genome position (GRCh38, 1-based): chr17:8,237,422, G>C on the plus strand (C>G on the coding strand, the complement: CTC1 is on the minus strand). VCF-style: chr17-8237422-G-C. GRCh37 (hg19) VCF-style: chr17-8140740-G-C.
Other names: short protein forms L249V.
Identifiers: ClinVar variation 1447715 (VCV001447715.8), dbSNP rs1987824590, ClinGen allele CA397991346.

ClinVar aggregate classification (germline): Uncertain significance (1 of 4 stars; one submission).

Conditions:
Dyskeratosis congenita. Identifiers: Orphanet 1775, MedGen C0265965, MONDO:0015780.

gnomAD v4.1: 3 of 1,614,016 alleles (0.00019%); highest among the groups gnomAD compares: Non-Finnish European, 0.00025%; no homozygotes.

Submission:

Labcorp Genetics (formerly Invitae), Labcorp
Classification: Uncertain significance for Dyskeratosis congenita. Last evaluated: 2021-02-19. Review status: criteria provided, single submitter. Criteria: Invitae Variant Classification Sherloc (09022015). Collection method: clinical testing. Allele origin: germline.
Comment: This sequence change replaces leucine with valine at codon 249 of the CTC1 protein (p.Leu249Val). The leucine residue is highly conserved and there is a small physicochemical difference between leucine and valine. This variant is not present in population databases (ExAC no frequency). This variant has not been reported in the literature in individuals with CTC1-related conditions. Algorithms developed to predict the effect of missense changes on protein structure and function are either unavailable or do not agree on the potential impact of this missense change (SIFT: "Deleterious"; PolyPhen-2: "Probably Damaging"; Align-GVGD: "Class C0"). In summary, the available evidence is currently insufficient to determine the role of this variant in disease. Therefore, it has been classified as a Variant of Uncertain Significance.